The following is an entry in ClinVar:

NM_005477.3(HCN4):c.2501C>T (p.Pro834Leu)

Gene: HCN4 (hyperpolarization activated cyclic nucleotide gated potassium channel 4; minus strand). Cytogenetic location: 15q24.1.
Variant type: single nucleotide variant.
Coding change: c.2501C>T on transcript NM_005477.3 (MANE Select); coding-DNA position 2501, C replaced by T.
Protein change: p.Pro834Leu; replaces proline 834 with leucine.
Molecular consequence: missense variant.
Genome position (GRCh38, 1-based): chr15:73,323,592, G>A on the plus strand (C>T on the coding strand, the complement: HCN4 is on the minus strand). VCF-style: chr15-73323592-G-A. GRCh37 (hg19) VCF-style: chr15-73615933-G-A.
Other names: short protein forms P834L.
Identifiers: ClinVar variation 3670439 (VCV003670439.2).

ClinVar aggregate classification (germline): Uncertain significance (1 of 4 stars; one submission).

Conditions:
Brugada syndrome 8 (BRGDA8). Identifiers: Orphanet 130, MedGen C2751083, MONDO:0013148, OMIM 613123.

Submission:

Labcorp Genetics (formerly Invitae), Labcorp
Classification: Uncertain significance for Brugada syndrome 8. Last evaluated: 2024-04-18. Review status: criteria provided, single submitter. Criteria: Invitae Variant Classification Sherloc (09022015). Collection method: clinical testing. Allele origin: germline.
Comment: This sequence change replaces proline, which is neutral and non-polar, with leucine, which is neutral and non-polar, at codon 834 of the HCN4 protein (p.Pro834Leu). This variant is not present in population databases (gnomAD no frequency). This variant has not been reported in the literature in individuals affected with HCN4-related conditions. Advanced modeling of protein sequence and biophysical properties (such as structural, functional, and spatial information, amino acid conservation, physicochemical variation, residue mobility, and thermodynamic stability) performed at Invitae indicates that this missense variant is not expected to disrupt HCN4 protein function with a negative predictive value of 80%. In summary, the available evidence is currently insufficient to determine the role of this variant in disease. Therefore, it has been classified as a Variant of Uncertain Significance.